The following is an entry in ClinVar:

ClinVar aggregate classification (germline): Likely benign. Review status: criteria provided, multiple submitters, no conflicts (2 of 4 stars). 2 submissions from 2 submitters: Likely benign (2). Last evaluated 2025-08-06.

Conditions:
Dilated cardiomyopathy 1G (CMD1G). Identifiers: Orphanet 154, MedGen C1858763, MONDO:0011400, OMIM 604145.
Autosomal recessive limb-girdle muscular dystrophy type 2J (LGMDR10). Also called: Limb-girdle muscular dystrophy, type 2J; MUSCULAR DYSTROPHY, LIMB-GIRDLE, AUTOSOMAL RECESSIVE 10. Identifiers: Orphanet 140922, MedGen C1837342, MONDO:0012127, OMIM 608807.

Allele frequency attached by ClinVar (database versions not stated): ExAC 0.00001; gnomAD exomes 0.00001; gnomAD 0.00002 and 0.00003; TOPMed 0.00002.
gnomAD v4.1: 16 of 1,604,232 alleles (0.001%); highest among the groups gnomAD compares: Non-Finnish European, 0.0014%; no homozygotes.

Submissions (2):

Labcorp Genetics (formerly Invitae), Labcorp
Classification: Likely benign for Dilated cardiomyopathy 1G; Autosomal recessive limb-girdle muscular dystrophy type 2J. Last evaluated: 2025-08-06. Review status: criteria provided, single submitter. Criteria: Invitae Variant Classification Sherloc (09022015). Collection method: clinical testing. Allele origin: germline.

GeneDx
Classification: Likely benign. Last evaluated: 2017-02-28. Review status: criteria provided, single submitter. Criteria: GeneDx Variant Classification (06012015). Collection method: clinical testing. Allele origin: germline. Affected: yes.
Comment: This variant is considered likely benign or benign based on one or more of the following criteria: it is a conservative change, it occurs at a poorly conserved position in the protein, it is predicted to be benign by multiple in silico algorithms, and/or has population frequency not consistent with disease.

NC_000002.12:g.178592287G>A

Genes: TTN-AS1 (TTN antisense RNA 1; plus strand), TTN (titin; minus strand), LOC126806424 (CDK7 strongly-dependent group 2 enhancer GRCh37_chr2:179456337-179457536; plus strand). Cytogenetic location: 2q31.2.
Variant type: single nucleotide variant.
Molecular consequence: intron variant (on NM_001267550.2).
Genome position: GRCh38 VCF-style: chr2-178592287-G-A. GRCh37 (hg19) VCF-style: chr2-179457014-G-A.
Other names: c.54704-10C>T (NM_001256850.1); c.59627-10C>T (NM_001267550.2); c.32432-10C>T (NM_003319.4); c.33008-10C>T (NM_133437.4); c.32807-10C>T (NM_133432.3); c.51923-10C>T (NM_133378.4).
Identifiers: ClinVar variation 507707 (VCV000507707.12), dbSNP rs775224600, ClinGen allele CA1992628.
Genomic context (GRCh38, chr2:178,592,287, plus strand): 5'-AATCTTTCCTAATTTCACTGACTTCCAGATCTCTAGGTGGCCCAGGTTTATCTAAAAAGT[G>A]TTAAATAACAGTTTGATAAGTAATTTTATCCATATAAGAGCTCAAAATTATCAAAATTTA-3'